The following is an entry in ClinVar:

ClinVar aggregate classification (germline): Uncertain significance (1 of 4 stars; one submission).

Conditions:
Primary ciliary dyskinesia. Also called: Ciliary dyskinesia. Identifiers: Orphanet 244, MedGen C0008780, MONDO:0016575, HP:0012265.

Allele frequency attached by ClinVar (database versions not stated): ExAC 0.00001; gnomAD 0.00001; TOPMed 0.00002; gnomAD exomes 0.00003; ESP Exome Variant Server 0.00008.
gnomAD v4.1: 44 of 1,611,652 alleles (0.0027%); highest among the groups gnomAD compares: Non-Finnish European, 0.0034%; no homozygotes.

Submission:

Ambry Genetics
Classification: Uncertain significance for Primary ciliary dyskinesia. Last evaluated: 2021-12-24. Review status: criteria provided, single submitter. Criteria: Ambry Variant Classification Scheme 2023. Collection method: clinical testing. Allele origin: germline.
Comment: The p.D36G variant (also known as c.107A>G), located in coding exon 2 of the CCDC39 gene, results from an A to G substitution at nucleotide position 107. The aspartic acid at codon 36 is replaced by glycine, an amino acid with similar properties. This amino acid position is conserved. In addition, this alteration is predicted to be tolerated by in silico analysis. Since supporting evidence is limited at this time, the clinical significance of this alteration remains unclear.

NM_181426.2(CCDC39):c.107A>G (p.Asp36Gly)

Gene: CCDC39 (coiled-coil domain 39 molecular ruler complex subunit; minus strand). Cytogenetic location: 3q26.33.
Variant type: single nucleotide variant.
Coding change: c.107A>G on transcript NM_181426.2 (MANE Select); coding-DNA position 107, A replaced by G.
Protein change: p.Asp36Gly; replaces aspartic acid 36 with glycine.
Molecular consequence: missense variant.
Genome position (GRCh38, 1-based): chr3:180,663,970, T>C on the plus strand (A>G on the coding strand, the complement: CCDC39 is on the minus strand). VCF-style: chr3-180663970-T-C. GRCh37 (hg19) VCF-style: chr3-180381758-T-C.
Other names: short protein forms D36G.
Identifiers: ClinVar variation 1785868 (VCV001785868.2), dbSNP rs369263891, ClinGen allele CA2716243.